The following is an entry in ClinVar:

ClinVar aggregate classification (germline): Conflicting classifications of pathogenicity. Review status: criteria provided, conflicting classifications (1 of 4 stars). 4 submissions from 4 submitters: Uncertain significance (1); Benign (2); Likely benign (1). Last evaluated 2025-12-08.

Conditions:
Primary ciliary dyskinesia. Also called: Ciliary dyskinesia. Identifiers: Orphanet 244, MedGen C0008780, MONDO:0016575, HP:0012265.

Allele frequency attached by ClinVar (database versions not stated): 1000 Genomes Project 0.00020; gnomAD 0.00024 and 0.00028; gnomAD exomes 0.00024 and 0.00039; TOPMed 0.00025; 1000 Genomes Project 30x 0.00031; ESP Exome Variant Server 0.00038; ExAC 0.00040.
gnomAD v4.1: 404 of 1,614,038 alleles (0.025%); highest among the groups gnomAD compares: Middle Eastern, 0.13%; 2 homozygotes.

Submissions (4):

Labcorp Genetics (formerly Invitae), Labcorp
Classification: Benign for Primary ciliary dyskinesia. Last evaluated: 2025-12-08. Review status: criteria provided, single submitter. Criteria: Invitae Variant Classification Sherloc (09022015). Collection method: clinical testing. Allele origin: germline.

Blueprint Genetics
Classification: Likely benign. Last evaluated: 2024-11-18. Review status: criteria provided, single submitter. Criteria: ACMG Guidelines, 2015. Collection method: clinical testing. Allele origin: germline.

Ambry Genetics
Classification: Uncertain significance for Primary ciliary dyskinesia. Last evaluated: 2016-01-14. Review status: criteria provided, single submitter. Criteria: Ambry Variant Classification Scheme 2023. Collection method: clinical testing. Allele origin: germline.
Comment: The c.1645-19G>A intronic alteration consists of a G to A substitution 19 nucleotides before coding exon 10 in the DNAAF1 gene. Based on insufficient or conflicting evidence, the clinical significance of this alteration remains unclear.

Breakthrough Genomics
Classification: Benign. Review status: criteria provided, single submitter. Criteria: ACMG Guidelines, 2015. Collection method: not provided. Allele origin: germline. Inheritance: Autosomal recessive inheritance. Affected: yes.

NM_178452.6(DNAAF1):c.1645-19G>A

Gene: DNAAF1 (dynein axonemal assembly factor 1; plus strand). Cytogenetic location: 16q24.1.
Variant type: single nucleotide variant.
Coding change: c.1645-19G>A on transcript NM_178452.6 (MANE Select); 19 bases into the intron before coding-DNA position 1645, G replaced by A.
Molecular consequence: intron variant.
Genome position (GRCh38, 1-based): chr16:84,174,650, G>A. VCF-style: chr16-84174650-G-A. GRCh37 (hg19) VCF-style: chr16-84208256-G-A.
Other names: c.937-19G>A (NM_001318756.1); c.1645-19G>A (NM_178452.4).
Identifiers: ClinVar variation 1600397 (VCV001600397.11), dbSNP rs192432193, ClinGen allele CA8202971.